The following is an entry in ClinVar:

NM_004304.5(ALK):c.3179G>A (p.Arg1060His)

Gene: ALK (ALK receptor tyrosine kinase; minus strand). Cytogenetic location: 2p23.2.
Variant type: single nucleotide variant.
Coding change: c.3179G>A on transcript NM_004304.5 (MANE Select); coding-DNA position 3179, G replaced by A.
Protein change: p.Arg1060His; replaces arginine 1060 with histidine.
Molecular consequence: missense variant. On other transcripts: 5 prime UTR variant (1).
Genome position (GRCh38, 1-based): chr2:29,223,522, C>T on the plus strand (G>A on the coding strand, the complement: ALK is on the minus strand). VCF-style: chr2-29223522-C-T. GRCh37 (hg19) VCF-style: chr2-29446388-C-T.
Other names: c.-26G>A (NM_001353765.2); short protein forms R1060H.
Identifiers: ClinVar variation 847740 (VCV000847740.11), dbSNP rs769322016, ClinGen allele CA1594040.

ClinVar aggregate classification (germline): Conflicting classifications of pathogenicity. Review status: criteria provided, conflicting classifications (1 of 4 stars). 3 submissions from 3 submitters: Uncertain significance (2); Benign (1). Last evaluated 2025-10-23.

Conditions:
Hereditary cancer-predisposing syndrome. Also called: Neoplastic Syndromes, Hereditary; Hereditary Cancer Syndrome; Hereditary neoplastic syndrome; Tumor predisposition. Identifiers: Orphanet 140162, MedGen C0027672, MeSH D009386, MONDO:0015356.
Neuroblastoma, susceptibility to, 3. Also called: ALK-Related Neuroblastic Tumor Susceptibility. Identifiers: Orphanet 635, MedGen C2751681, MONDO:0013083, OMIM 613014.

Allele frequency attached by ClinVar (database versions not stated): ExAC 0.00003; TOPMed 0.00005; gnomAD 0.00007 and 0.00008.
gnomAD v4.1: 46 of 1,613,388 alleles (0.0029%); highest among the groups gnomAD compares: South Asian, 0.019%; no homozygotes.

Submissions (3):

Labcorp Genetics (formerly Invitae), Labcorp
Classification: Uncertain significance for Neuroblastoma, susceptibility to, 3. Last evaluated: 2025-10-23. Review status: criteria provided, single submitter. Criteria: Invitae Variant Classification Sherloc (09022015). Collection method: clinical testing. Allele origin: germline.
Comment: This sequence change replaces arginine, which is basic and polar, with histidine, which is basic and polar, at codon 1060 of the ALK protein (p.Arg1060His). This variant is present in population databases (rs769322016, gnomAD 0.02%). This missense change has been observed in individual(s) with neuroblastoma (PMID: 25517749). ClinVar contains an entry for this variant (Variation ID: 847740). An algorithm developed to predict the effect of missense changes on protein structure and function (PolyPhen-2) suggests that this variant is likely to be disruptive. Experimental studies have shown that this missense change does not substantially affect ALK function (PMID: 25517749). In summary, the available evidence is currently insufficient to determine the role of this variant in disease. Therefore, it has been classified as a Variant of Uncertain Significance.

Ambry Genetics
Classification: Benign for Hereditary cancer-predisposing syndrome. Last evaluated: 2024-08-20. Review status: criteria provided, single submitter. Criteria: Ambry Variant Classification Scheme 2023. Collection method: clinical testing. Allele origin: germline.

GeneDx
Classification: Uncertain significance. Last evaluated: 2023-04-17. Review status: criteria provided, single submitter. Criteria: GeneDx Variant Classification Process June 2021. Collection method: clinical testing. Allele origin: germline. Affected: yes.
Comment: In silico analysis supports that this missense variant does not alter protein structure/function; Published functional studies suggest no damaging effect: non-phosphorylated ALK kinase activity comparable to wild-type (Bresler et al., 2014); Observed in individuals with neuroblastoma (Bresler et al., 2014); This variant is associated with the following publications: (PMID: 25517749)

Literature cited by the submitters: PubMed 25517749 (cited by Labcorp Genetics (formerly Invitae), Labcorp).